The following is an entry in ClinVar:

NM_182943.3(PLOD2):c.879+258A>G

Gene: PLOD2 (procollagen-lysine,2-oxoglutarate 5-dioxygenase 2; minus strand). Cytogenetic location: 3q24.
Variant type: single nucleotide variant.
Coding change: c.879+258A>G on transcript NM_182943.3 (MANE Select); 258 bases into the intron after coding-DNA position 879, A replaced by G.
Molecular consequence: intron variant.
Genome position (GRCh38, 1-based): chr3:146,091,542, T>C on the plus strand (A>G on the coding strand, the complement: PLOD2 is on the minus strand). VCF-style: chr3-146091542-T-C. GRCh37 (hg19) VCF-style: chr3-145809329-T-C.
Other names: c.879+258A>G (NM_000935.3).
Identifiers: ClinVar variation 684301 (VCV000684301.1), dbSNP rs1982381, ClinGen allele CA84522508.

ClinVar aggregate classification (germline): Benign (1 of 4 stars; one submission).

Allele frequency attached by ClinVar (database versions not stated): 1000 Genomes Project 30x 0.98641; 1000 Genomes Project 0.98642; TOPMed 0.98946.
gnomAD v4.1: 150,353 of 151,910 alleles (99%); highest among the groups gnomAD compares: Non-Finnish European, 99%; 74,407 homozygotes.

Submission:

GeneDx
Classification: Benign. Last evaluated: 2018-06-19. Review status: criteria provided, single submitter. Criteria: GeneDx Variant Classification (06012015). Collection method: clinical testing. Allele origin: germline. Affected: yes.
Comment: This variant is considered likely benign or benign based on one or more of the following criteria: it is a conservative change, it occurs at a poorly conserved position in the protein, it is predicted to be benign by multiple in silico algorithms, and/or has population frequency not consistent with disease.